The following is an entry in ClinVar:

ClinVar aggregate classification (germline): Likely benign. Review status: criteria provided, multiple submitters, no conflicts (2 of 4 stars). 3 submissions from 3 submitters: Likely benign (2). 1 of the submissions does not count toward it. Last evaluated 2025-08-04.

Conditions:
Nephronophthisis. Also called: Juvenile Nephronophthisis. Identifiers: Orphanet 655, MedGen C0687120, MONDO:0019005, HP:0000090.
INVS-related disorder. Also called: INVS-related condition.

Allele frequency attached by ClinVar (database versions not stated): gnomAD exomes 0.00002 and 0.00005; ExAC 0.00003; TOPMed 0.00004; ESP Exome Variant Server 0.00008.
gnomAD v4.1: 32 of 1,612,604 alleles (0.002%); highest among the groups gnomAD compares: East Asian, 0.016%; no homozygotes.

Submissions (3):

Labcorp Genetics (formerly Invitae), Labcorp
Classification: Likely benign for Nephronophthisis. Last evaluated: 2025-08-04. Review status: criteria provided, single submitter. Criteria: Invitae Variant Classification Sherloc (09022015). Collection method: clinical testing. Allele origin: germline.

Blueprint Genetics
Classification: Likely benign. Last evaluated: 2024-01-18. Review status: criteria provided, single submitter. Criteria: ACMG Guidelines, 2015. Collection method: clinical testing. Allele origin: germline.

PreventionGenetics, part of Exact Sciences
Classification: Likely benign for INVS-related condition. Last evaluated: 2024-04-11. Review status: no assertion criteria provided. Collection method: clinical testing. Allele origin: germline. Not counted in ClinVar's aggregate classification.
Comment: This variant is classified as likely benign based on ACMG/AMP sequence variant interpretation guidelines (Richards et al. 2015 PMID: 25741868, with internal and published modifications).

NM_014425.5(INVS):c.912G>A (p.Thr304=)

Gene: INVS (inversin; plus strand). Cytogenetic location: 9q31.1.
Variant type: single nucleotide variant.
Coding change: c.912G>A on transcript NM_014425.5 (MANE Select); coding-DNA position 912, G replaced by A.
Protein change: p.Thr304=; no amino-acid change (threonine 304 retained).
Molecular consequence: synonymous variant. On other transcripts: 5 prime UTR variant (1), non-coding transcript variant (1).
Genome position (GRCh38, 1-based): chr9:100,246,621, G>A. VCF-style: chr9-100246621-G-A. GRCh37 (hg19) VCF-style: chr9-103008903-G-A.
Other names: c.624G>A, p.Thr208= (NM_001318381.2); c.-67G>A (NM_001318382.2); c.912G>A (NM_014425.4).
Identifiers: ClinVar variation 1598396 (VCV001598396.11), dbSNP rs141109039, ClinGen allele CA5158294.